The following is an entry in ClinVar:

NM_144670.6(A2ML1):c.2545G>A (p.Asp849Asn)

Gene: A2ML1 (alpha-2-macroglobulin like 1; plus strand). Cytogenetic location: 12p13.31.
Variant type: single nucleotide variant.
Coding change: c.2545G>A on transcript NM_144670.6 (MANE Select); coding-DNA position 2545, G replaced by A.
Protein change: p.Asp849Asn; replaces aspartic acid 849 with asparagine.
Molecular consequence: missense variant.
Genome position (GRCh38, 1-based): chr12:8,852,291, G>A. VCF-style: chr12-8852291-G-A. GRCh37 (hg19) VCF-style: chr12-9004887-G-A.
Other names: c.1072G>A, p.Asp358Asn (NM_001282424.3); c.2545G>A (NM_144670.3); short protein forms D358N, D849N.
Identifiers: ClinVar variation 3703777 (VCV003703777.3).

ClinVar aggregate classification (germline): Conflicting classifications of pathogenicity. Review status: criteria provided, conflicting classifications (1 of 4 stars). 2 submissions from 2 submitters: Uncertain significance (1); Likely benign (1). Last evaluated 2026-08-16.

gnomAD v4.1: 5 of 1,614,030 alleles (0.00031%); highest among the groups gnomAD compares: Admixed American, 0.005%; no homozygotes.

Submissions (2):

Ambry Genetics
Classification: Likely benign. Last evaluated: 2026-08-16. Review status: criteria provided, single submitter. Criteria: Ambry Variant Classification Scheme 2023. Collection method: clinical testing. Allele origin: germline.

Labcorp Genetics (formerly Invitae), Labcorp
Classification: Uncertain significance. Last evaluated: 2024-12-11. Review status: criteria provided, single submitter. Criteria: Invitae Variant Classification Sherloc (09022015). Collection method: clinical testing. Allele origin: germline.
Comment: This sequence change replaces aspartic acid, which is acidic and polar, with asparagine, which is neutral and polar, at codon 849 of the A2ML1 protein (p.Asp849Asn). This variant is present in population databases (no rsID available, gnomAD 0.006%). This variant has not been reported in the literature in individuals affected with A2ML1-related conditions. An algorithm developed to predict the effect of missense changes on protein structure and function outputs the following: PolyPhen-2: "Benign". The asparagine amino acid residue is found in multiple mammalian species, which suggests that this missense change does not adversely affect protein function. Algorithms developed to predict the effect of sequence changes on RNA splicing suggest that this variant may disrupt the consensus splice site. In summary, the available evidence is currently insufficient to determine the role of this variant in disease. Therefore, it has been classified as a Variant of Uncertain Significance.